The following is an entry in ClinVar:

ClinVar aggregate classification (germline): Uncertain significance. Review status: criteria provided, single submitter (1 of 4 stars). 2 submissions from 2 submitters: Uncertain significance (1). 1 of the submissions does not count toward it. Last evaluated 2025-12-07.

Conditions:
Hereditary cancer-predisposing syndrome. Also called: Neoplastic Syndromes, Hereditary; Tumor predisposition; Hereditary neoplastic syndrome; Hereditary Cancer Syndrome. Identifiers: Orphanet 140162, MedGen C0027672, MeSH D009386, MONDO:0015356.
Prostate cancer, hereditary, 1 (HPC1). Identifiers: Orphanet 1331, MedGen C4722327, MONDO:0011098, OMIM 601518.

Submissions (2):

Ambry Genetics
Classification: Uncertain significance for Hereditary cancer-predisposing syndrome. Last evaluated: 2025-12-07. Review status: criteria provided, single submitter. Criteria: Ambry Variant Classification Scheme 2023. Collection method: clinical testing. Allele origin: germline.
Comment: The p.V269F variant (also known as c.805G>T), located in coding exon 2 of the HOXB13 gene, results from a G to T substitution at nucleotide position 805. The valine at codon 269 is replaced by phenylalanine, an amino acid with highly similar properties. This amino acid position is conserved. In addition, this alteration is predicted to be deleterious by in silico analysis. Based on the available evidence, the clinical significance of this variant remains unclear.

Laboratory of Virology, Microbiology,  Quality and Medical Biotechnologies, Faculty of Sciences and Techniques - Mohammedia, Hassan II University of Casablanca
Classification: Uncertain significance for Prostate cancer, hereditary, 1. Review status: no assertion criteria provided. Collection method: clinical testing. Allele origin: somatic. Affected: yes. Not counted in ClinVar's aggregate classification.

NM_006361.6(HOXB13):c.805G>T (p.Val269Phe)

Gene: HOXB13 (homeobox B13; minus strand). Cytogenetic location: 17q21.32.
Variant type: single nucleotide variant.
Coding change: c.805G>T on transcript NM_006361.6 (MANE Select); coding-DNA position 805, G replaced by T.
Protein change: p.Val269Phe; replaces valine 269 with phenylalanine.
Molecular consequence: missense variant.
Genome position (GRCh38, 1-based): chr17:48,726,840, C>A on the plus strand (G>T on the coding strand, the complement: HOXB13 is on the minus strand). VCF-style: chr17-48726840-C-A. GRCh37 (hg19) VCF-style: chr17-46804202-C-A.
Other names: short protein forms V269F.
Identifiers: ClinVar variation 691241 (VCV000691241.3), dbSNP rs1597932479, ClinGen allele CA400105540.